The following is an entry in ClinVar:

NM_024721.5(ZFHX4):c.10008A>G (p.Gln3336=)

Gene: ZFHX4 (zinc finger homeobox 4; plus strand). Cytogenetic location: 8q21.13.
Variant type: single nucleotide variant.
Coding change: c.10008A>G on transcript NM_024721.5 (MANE Select); coding-DNA position 10008, A replaced by G.
Protein change: p.Gln3336=; no amino-acid change (glutamine 3336 retained).
Molecular consequence: synonymous variant.
Genome position (GRCh38, 1-based): chr8:76,863,722, A>G. VCF-style: chr8-76863722-A-G. GRCh37 (hg19) VCF-style: chr8-77775958-A-G.
Other names: c.9930A>G, p.Gln3310= (NM_001410934.1).
Identifiers: ClinVar variation 3898550 (VCV003898550.7).

ClinVar aggregate classification (germline): Likely benign (1 of 4 stars; one submission).

gnomAD v4.1: 1 of 1,559,942 alleles (0.000064%); no homozygotes.

Submission:

CeGaT Center for Human Genetics Tuebingen
Classification: Likely benign. Last evaluated: 2025-04-01. Review status: criteria provided, single submitter. Criteria: CeGaT Center For Human Genetics Tuebingen Variant Classification Criteria Version 2. Collection method: clinical testing. Allele origin: germline. Affected: yes. Observed: 1 variant allele.
Comment: ZFHX4: BP4, BP7